The following is an entry in ClinVar:

NM_206933.4(USH2A):c.12602dup (p.Asn4202fs)

Gene: USH2A (usherin; minus strand). Cytogenetic location: 1q41.
Variant type: Duplication.
Coding change: c.12602dup on transcript NM_206933.4 (MANE Select); coding-DNA position 12602, one base duplicated (G; older notation c.12602dupG).
Protein change: p.Asn4202fs; shifts the reading frame from asparagine 4202.
Molecular consequence: frameshift variant.
Genome position (GRCh38, 1-based): chr1:215,675,309, C duplicated on the plus strand (G on the coding strand, the reverse complement: USH2A is on the minus strand); the first of 4 consecutive C bases (chr1:215,675,309-215,675,312); duplicating any one gives the same sequence. VCF-style (leftmost placement, unchanged base first): chr1-215675308-T-TC. GRCh37 (hg19) VCF-style: chr1-215848650-T-TC.
Other names: c.12602dupG (NM_206933.4); short protein forms N4202fs.
Identifiers: ClinVar variation 3769554 (VCV003769554.2).

ClinVar aggregate classification (germline): Pathogenic (1 of 4 stars; one submission).

Conditions:
Usher syndrome. Also called: Usher Syndromes; Usher's syndrome. Identifiers: Orphanet 886, MedGen CN469326, MeSH D052245, MONDO:0019501. Disease mechanism: loss of function.

Submission:

Women's Health and Genetics/Laboratory Corporation of America, LabCorp
Classification: Pathogenic for Retinitis pigmentosa-deafness syndrome. Last evaluated: 2025-01-17. Review status: criteria provided, single submitter. Criteria: LabCorp Variant Classification Summary - May 2015. Collection method: clinical testing. Allele origin: germline.
Comment: Variant summary: USH2A c.12602dupG (p.Asn4202LysfsX16) results in a premature termination codon, predicted to cause a truncation of the encoded protein or absence of the protein due to nonsense mediated decay, which are commonly known mechanisms for disease. The variant was absent in 280626 control chromosomes. To our knowledge, no occurrence of c.12602dupG in individuals affected with Usher Syndrome and no experimental evidence demonstrating its impact on protein function have been reported. No submitters have cited clinical-significance assessments for this variant to ClinVar. Based on the evidence outlined above, the variant was classified as pathogenic.